The following is an entry in ClinVar:

NM_004260.4(RECQL4):c.1976C>G (p.Ala659Gly)

Gene: RECQL4 (RecQ like helicase 4; minus strand). Cytogenetic location: 8q24.3.
Variant type: single nucleotide variant.
Coding change: c.1976C>G on transcript NM_004260.4 (MANE Select); coding-DNA position 1976, C replaced by G.
Protein change: p.Ala659Gly; replaces alanine 659 with glycine.
Molecular consequence: missense variant.
Genome position (GRCh38, 1-based): chr8:144,514,010, G>C on the plus strand (C>G on the coding strand, the complement: RECQL4 is on the minus strand). VCF-style: chr8-144514010-G-C. GRCh37 (hg19) VCF-style: chr8-145739394-G-C.
Other names: short protein forms A659G.
Identifiers: ClinVar variation 580746 (VCV000580746.7), dbSNP rs1336325647, ClinGen allele CA372680382.

ClinVar aggregate classification (germline): Uncertain significance. Review status: criteria provided, multiple submitters, no conflicts (2 of 4 stars). 2 submissions from 2 submitters: Uncertain significance (2). Last evaluated 2026-06-21.

Conditions:
Inborn genetic diseases. Identifiers: MedGen C0950123, MeSH D030342.
Baller-Gerold syndrome (BGS). Also called: CRANIOSYNOSTOSIS WITH RADIAL DEFECTS. Identifiers: Orphanet 1225, MedGen C0265308, MONDO:0009039, OMIM 218600.

Allele frequency attached by ClinVar (database versions not stated): gnomAD 0.00001.
gnomAD v4.1: 2 of 1,570,008 alleles (0.00013%); highest among the groups gnomAD compares: African/African-American, 0.0027%; no homozygotes.

Submissions (2):

Ambry Genetics
Classification: Uncertain significance for Inborn genetic diseases. Last evaluated: 2026-06-21. Review status: criteria provided, single submitter. Criteria: Ambry Variant Classification Scheme 2023. Collection method: clinical testing. Allele origin: germline.
Comment: The p.A659G variant (also known as c.1976C>G), located in coding exon 12 of the RECQL4 gene, results from a C to G substitution at nucleotide position 1976. The alanine at codon 659 is replaced by glycine, an amino acid with similar properties. This amino acid position is conserved. In addition, this alteration is predicted to be tolerated by in silico analysis. Based on the available evidence, the clinical significance of this variant remains unclear.

Labcorp Genetics (formerly Invitae), Labcorp
Classification: Uncertain significance for Baller-Gerold syndrome. Last evaluated: 2019-03-13. Review status: criteria provided, single submitter. Criteria: Invitae Variant Classification Sherloc (09022015). Collection method: clinical testing. Allele origin: germline.
Comment: In summary, the available evidence is currently insufficient to determine the role of this variant in disease. Therefore, it has been classified as a Variant of Uncertain Significance. Algorithms developed to predict the effect of sequence changes on RNA splicing suggest that this variant may create or strengthen a splice site, but this prediction has not been confirmed by published transcriptional studies. Algorithms developed to predict the effect of missense changes on protein structure and function (SIFT, PolyPhen-2, Align-GVGD) all suggest that this variant is likely to be tolerated, but these predictions have not been confirmed by published functional studies and their clinical significance is uncertain. This variant has not been reported in the literature in individuals with RECQL4-related disease. This variant is not present in population databases (ExAC no frequency). This sequence change replaces alanine with glycine at codon 659 of the RECQL4 protein (p.Ala659Gly). The alanine residue is moderately conserved and there is a small physicochemical difference between alanine and glycine.